The following is an entry in ClinVar:

ClinVar aggregate classification (germline): Uncertain significance (1 of 4 stars; one submission).

Conditions:
Cohen syndrome (COH1). Also called: PEPPER SYNDROME; Cutis verticis gyrata, retinitis pigmentosa, and sensorineural deafness. Identifiers: Orphanet 193, MedGen C0265223, MONDO:0008999, OMIM 216550.

gnomAD v4.1: 1 of 1,614,076 alleles (0.000062%); highest among the groups gnomAD compares: Non-Finnish European, 0.000085%; no homozygotes.

Submission:

Labcorp Genetics (formerly Invitae), Labcorp
Classification: Uncertain significance for Cohen syndrome. Last evaluated: 2024-08-15. Review status: criteria provided, single submitter. Criteria: Invitae Variant Classification Sherloc (09022015). Collection method: clinical testing. Allele origin: germline.
Comment: This sequence change replaces cysteine, which is neutral and slightly polar, with arginine, which is basic and polar, at codon 3978 of the VPS13B protein (p.Cys3978Arg). This variant is not present in population databases (gnomAD no frequency). This variant has not been reported in the literature in individuals affected with VPS13B-related conditions. Invitae Evidence Modeling of protein sequence and biophysical properties (such as structural, functional, and spatial information, amino acid conservation, physicochemical variation, residue mobility, and thermodynamic stability) indicates that this missense variant is not expected to disrupt VPS13B protein function with a negative predictive value of 80%. In summary, the available evidence is currently insufficient to determine the role of this variant in disease. Therefore, it has been classified as a Variant of Uncertain Significance.

NM_152564.5(VPS13B):c.11857T>C (p.Cys3953Arg)

Gene: VPS13B (vacuolar protein sorting 13 homolog B; plus strand). Cytogenetic location: 8q22.2.
Variant type: single nucleotide variant.
Coding change: c.11857T>C on transcript NM_152564.5 (MANE Select); coding-DNA position 11857, T replaced by C.
Protein change: p.Cys3953Arg; replaces cysteine 3953 with arginine.
Molecular consequence: missense variant.
Genome position (GRCh38, 1-based): chr8:99,875,529, T>C. VCF-style: chr8-99875529-T-C. GRCh37 (hg19) VCF-style: chr8-100887757-T-C.
Other names: c.11932T>C, p.Cys3978Arg (NM_017890.5); short protein forms C3953R, C3978R.
Identifiers: ClinVar variation 3662044 (VCV003662044.2).